The following is an entry in ClinVar:

ClinVar aggregate classification (germline): Uncertain significance (1 of 4 stars; one submission).

Conditions:
Spastic paraplegia. Identifiers: MedGen C0037772, HP:0001258.

gnomAD v4.1: 3 of 1,614,000 alleles (0.00019%); highest among the groups gnomAD compares: South Asian, 0.0011%; no homozygotes.

Submission:

Labcorp Genetics (formerly Invitae), Labcorp
Classification: Uncertain significance for Spastic paraplegia. Last evaluated: 2025-05-24. Review status: criteria provided, single submitter. Criteria: Invitae Variant Classification Sherloc (09022015). Collection method: clinical testing. Allele origin: germline.
Comment: This sequence change replaces arginine, which is basic and polar, with histidine, which is basic and polar, at codon 855 of the KIF5A protein (p.Arg855His). This variant is not present in population databases (gnomAD no frequency). This variant has not been reported in the literature in individuals affected with KIF5A-related conditions. Invitae Evidence Modeling of protein sequence and biophysical properties (such as structural, functional, and spatial information, amino acid conservation, physicochemical variation, residue mobility, and thermodynamic stability) has been performed for this missense variant. However, the output from this modeling did not meet the statistical confidence thresholds required to predict the impact of this variant on KIF5A protein function. In summary, the available evidence is currently insufficient to determine the role of this variant in disease. Therefore, it has been classified as a Variant of Uncertain Significance.

NM_004984.4(KIF5A):c.2564G>A (p.Arg855His)

Gene: KIF5A (kinesin family member 5A; plus strand). Cytogenetic location: 12q13.3.
Variant type: single nucleotide variant.
Coding change: c.2564G>A on transcript NM_004984.4 (MANE Select); coding-DNA position 2564, G replaced by A.
Protein change: p.Arg855His; replaces arginine 855 with histidine.
Molecular consequence: missense variant.
Genome position (GRCh38, 1-based): chr12:57,580,981, G>A. VCF-style: chr12-57580981-G-A. GRCh37 (hg19) VCF-style: chr12-57974764-G-A.
Other names: c.2297G>A, p.Arg766His (NM_001354705.2); short protein forms R766H, R855H.
Identifiers: ClinVar variation 4801173 (VCV004801173.1).